The following is an entry in ClinVar:

NC_000001.11:g.(?_215798897)_(215799135_?)del

Gene: USH2A (usherin; minus strand). Cytogenetic location: 1q41.
Variant type: Deletion.
Identifiers: ClinVar variation 830929 (VCV000830929.1).

ClinVar aggregate classification (germline): Likely pathogenic (1 of 4 stars; one submission).

Submission:

Labcorp Genetics (formerly Invitae), Labcorp
Classification: Likely pathogenic. Last evaluated: 2019-03-27. Review status: criteria provided, single submitter. Criteria: Invitae Variant Classification Sherloc (09022015). Collection method: clinical testing. Allele origin: germline.
Comment: This variant is an in-frame deletion of the genomic region encompassing exon 50 of the USH2A gene. It preserves the integrity of the reading frame. This variant has not been reported in the literature in individuals with USH2A-related conditions. This variant disrupts the p.Cys3267 amino acid residue in USH2A. Other variant(s) that disrupt this residue have been determined to be pathogenic (PMID: 17085681, 25404053,30190494, 27596865). This suggests that this residue is clinically significant, and that variants that disrupt this residue are likely to be disease-causing. In summary, the currently available evidence indicates that the variant is pathogenic, but additional data are needed to prove that conclusively. Therefore, this variant has been classified as Likely Pathogenic.

Literature cited by the submitters: PubMed 25404053; PubMed 30190494; PubMed 17085681; PubMed 27596865.